The following is an entry in ClinVar:

ClinVar aggregate classification (germline): Uncertain significance (1 of 4 stars; one submission).

Submission:

Labcorp Genetics (formerly Invitae), Labcorp
Classification: Uncertain significance. Last evaluated: 2024-03-17. Review status: criteria provided, single submitter. Criteria: Invitae Variant Classification Sherloc (09022015). Collection method: clinical testing. Allele origin: germline.
Comment: This sequence change replaces glutamine, which is neutral and polar, with lysine, which is basic and polar, at codon 394 of the POLE protein (p.Gln394Lys). This variant is not present in population databases (gnomAD no frequency). This variant has not been reported in the literature in individuals affected with POLE-related conditions. ClinVar contains an entry for this variant (Variation ID: 1379135). Advanced modeling of protein sequence and biophysical properties (such as structural, functional, and spatial information, amino acid conservation, physicochemical variation, residue mobility, and thermodynamic stability) performed at Invitae indicates that this missense variant is not expected to disrupt POLE protein function with a negative predictive value of 80%. In summary, the available evidence is currently insufficient to determine the role of this variant in disease. Therefore, it has been classified as a Variant of Uncertain Significance.

NM_006231.4(POLE):c.1180C>A (p.Gln394Lys)

Gene: POLE (DNA polymerase epsilon, catalytic subunit; minus strand). Cytogenetic location: 12q24.33.
Variant type: single nucleotide variant.
Coding change: c.1180C>A on transcript NM_006231.4 (MANE Select); coding-DNA position 1180, C replaced by A.
Protein change: p.Gln394Lys; replaces glutamine 394 with lysine.
Molecular consequence: missense variant.
Genome position (GRCh38, 1-based): chr12:132,675,444, G>T on the plus strand (C>A on the coding strand, the complement: POLE is on the minus strand). VCF-style: chr12-132675444-G-T. GRCh37 (hg19) VCF-style: chr12-133252030-G-T.
Other names: short protein forms Q394K.
Identifiers: ClinVar variation 1379135 (VCV001379135.6), dbSNP rs1565975090, ClinGen allele CA387360850.